The following is an entry in ClinVar:

NM_006939.4(SOS2):c.1598dup (p.Asn533fs)

Gene: SOS2 (SOS Ras/Rho guanine nucleotide exchange factor 2; minus strand). Cytogenetic location: 14q21.3.
Variant type: Duplication.
Coding change: c.1598dup on transcript NM_006939.4 (MANE Select); coding-DNA position 1598, one base duplicated (A; older notation c.1598dupA).
Protein change: p.Asn533fs; shifts the reading frame from asparagine 533.
Molecular consequence: frameshift variant.
Genome position (GRCh38, 1-based): chr14:50,159,685, T duplicated on the plus strand (A on the coding strand, the reverse complement: SOS2 is on the minus strand); the first of 7 consecutive T bases (chr14:50,159,685-50,159,691); duplicating any one gives the same sequence. VCF-style (leftmost placement, unchanged base first): chr14-50159684-G-GT. GRCh37 (hg19) VCF-style: chr14-50626402-G-GT.
Other names: c.1499dup, p.Asn500fs (NM_001411020.1); short protein forms N500fs, N533fs.
Identifiers: ClinVar variation 3620468 (VCV003620468.2).
Genomic context (GRCh38, chr14:50,159,684, plus strand): 5'-ATCTAACATTCGATCTAGAGTACTACGATAATGAAGAGAAATAAGGGCTGCCATCCAGTT[G>GT]TTTTTTTCTTCAGCAGACTTAGCAGCAAATATTATGCTGTTCTCATCTTTGGATACTAAT-3'

ClinVar aggregate classification (germline): Uncertain significance (1 of 4 stars; one submission).

Conditions:
Noonan syndrome 9 (NS9). Identifiers: Orphanet 648, MedGen C4225282, MONDO:0014691, OMIM 616559.

Submission:

Labcorp Genetics (formerly Invitae), Labcorp
Classification: Uncertain significance for Noonan syndrome 9. Last evaluated: 2024-06-24. Review status: criteria provided, single submitter. Criteria: Invitae Variant Classification Sherloc (09022015). Collection method: clinical testing. Allele origin: germline.
Comment: This sequence change creates a premature translational stop signal (p.Asn533Lysfs*14) in the SOS2 gene. It is expected to result in an absent or disrupted protein product. However, the current clinical and genetic evidence is not sufficient to establish whether loss-of-function variants in SOS2 cause disease. This variant is not present in population databases (gnomAD no frequency). This variant has not been reported in the literature in individuals affected with SOS2-related conditions. In summary, the available evidence is currently insufficient to determine the role of this variant in disease. Therefore, it has been classified as a Variant of Uncertain Significance.